The following is an entry in ClinVar:

NM_002972.4(SBF1):c.5507C>T (p.Ala1836Val)

Gene: SBF1 (SET binding factor 1; minus strand). Cytogenetic location: 22q13.33.
Variant type: single nucleotide variant.
Coding change: c.5507C>T on transcript NM_002972.4 (MANE Select); coding-DNA position 5507, C replaced by T.
Protein change: p.Ala1836Val; replaces alanine 1836 with valine.
Molecular consequence: missense variant.
Genome position (GRCh38, 1-based): chr22:50,447,398, G>A on the plus strand (C>T on the coding strand, the complement: SBF1 is on the minus strand). VCF-style: chr22-50447398-G-A. GRCh37 (hg19) VCF-style: chr22-50885827-G-A.
Other names: c.5507C>T (NM_002972.2); c.5432C>T, p.Ala1811Val (NM_001365819.1); short protein forms A1836V, A1811V.
Identifiers: ClinVar variation 809386 (VCV000809386.49), dbSNP rs373534319, ClinGen allele CA10315809.

ClinVar aggregate classification (germline): Uncertain significance. Review status: criteria provided, multiple submitters, no conflicts (2 of 4 stars). 5 submissions from 5 submitters: Uncertain significance (5). Last evaluated 2026-04-20.

Conditions:
Charcot-Marie-Tooth disease type 4B3. Also called: CHARCOT-MARIE-TOOTH DISEASE, DEMYELINATING, TYPE 4B3; Charcot-Marie-Tooth Neuropathy Type 4B3. Identifiers: Orphanet 363981, MedGen C3695063, MONDO:0014117, OMIM 615284.

Allele frequency attached by ClinVar (database versions not stated): ESP Exome Variant Server 0.00016; TOPMed 0.00016.

Submissions (5):

GeneDx
Classification: Uncertain significance. Last evaluated: 2026-04-20. Review status: criteria provided, single submitter. Criteria: GeneDx Variant Classification Process June 2021. Collection method: clinical testing. Allele origin: germline.
Comment: In silico analysis supports that this missense variant has a deleterious effect on protein structure/function; Has not been previously published as pathogenic or benign to our knowledge

Ambry Genetics
Classification: Uncertain significance. Last evaluated: 2025-06-06. Review status: criteria provided, single submitter. Criteria: Ambry Variant Classification Scheme 2023. Collection method: clinical testing. Allele origin: germline.

ARUP Laboratories, Molecular Genetics and Genomics, ARUP Laboratories
Classification: Uncertain significance for Charcot-Marie-Tooth disease type 4B3. Last evaluated: 2024-04-16. Review status: criteria provided, single submitter. Criteria: ARUP Molecular Germline Variant Investigation Process 2024. Collection method: clinical testing. Allele origin: germline.
Comment: The SBF1 c.5507C>T; p.Ala1836Val variant (rs373534319), to our knowledge, is not reported in the medical literature but is reported in ClinVar (Variation ID: 809386). This variant is found in the general population with an overall allele frequency of 0.007% (21/280,866 alleles) in the Genome Aggregation Database (v2.1.1). Computational analyses are uncertain whether this variant is neutral or deleterious (REVEL: 0.417). However, given the lack of clinical and functional data, the significance of this variant is uncertain at this time.

Labcorp Genetics (formerly Invitae), Labcorp
Classification: Uncertain significance. Last evaluated: 2022-03-18. Review status: criteria provided, single submitter. Criteria: Invitae Variant Classification Sherloc (09022015). Collection method: clinical testing. Allele origin: germline.
Comment: This sequence change replaces alanine, which is neutral and non-polar, with valine, which is neutral and non-polar, at codon 1836 of the SBF1 protein (p.Ala1836Val). This variant is present in population databases (rs373534319, gnomAD 0.03%). This variant has not been reported in the literature in individuals affected with SBF1-related conditions. ClinVar contains an entry for this variant (Variation ID: 809386). Algorithms developed to predict the effect of missense changes on protein structure and function (SIFT, PolyPhen-2, Align-GVGD) all suggest that this variant is likely to be tolerated. In summary, the available evidence is currently insufficient to determine the role of this variant in disease. Therefore, it has been classified as a Variant of Uncertain Significance.

CeGaT Center for Human Genetics Tuebingen
Classification: Uncertain significance. Last evaluated: 2019-06-01. Review status: criteria provided, single submitter. Criteria: CeGaT Center For Human Genetics Tuebingen Variant Classification Criteria Version 2. Collection method: clinical testing. Allele origin: germline. Affected: yes. Observed: 1 variant allele.